The following is an entry in ClinVar:

ClinVar aggregate classification (germline): Uncertain significance. Review status: criteria provided, multiple submitters, no conflicts (2 of 4 stars). 2 submissions from 2 submitters: Uncertain significance (2). Last evaluated 2025-11-20.

Conditions:
Inborn genetic diseases. Identifiers: MedGen C0950123, MeSH D030342.

gnomAD v4.1: 11 of 1,611,464 alleles (0.00068%); highest among the groups gnomAD compares: Middle Eastern, 0.017%; no homozygotes.

Submissions (2):

Ambry Genetics
Classification: Uncertain significance for Inborn genetic diseases. Last evaluated: 2025-11-20. Review status: criteria provided, single submitter. Criteria: Ambry Variant Classification Scheme 2023. Collection method: clinical testing. Allele origin: germline.

CeGaT Center for Human Genetics Tuebingen
Classification: Uncertain significance. Last evaluated: 2023-01-01. Review status: criteria provided, single submitter. Criteria: CeGaT Center For Human Genetics Tuebingen Variant Classification Criteria Version 2. Collection method: clinical testing. Allele origin: germline. Affected: yes. Observed: 1 variant allele.
Comment: ABCB11: PM2, BP4

NM_003742.4(ABCB11):c.2238A>T (p.Lys746Asn)

Gene: ABCB11 (ATP binding cassette subfamily B member 11; minus strand). Cytogenetic location: 2q31.1.
Variant type: single nucleotide variant.
Coding change: c.2238A>T on transcript NM_003742.4 (MANE Select); coding-DNA position 2238, A replaced by T.
Protein change: p.Lys746Asn; replaces lysine 746 with asparagine.
Molecular consequence: missense variant.
Genome position (GRCh38, 1-based): chr2:168,958,069, T>A on the plus strand (A>T on the coding strand, the complement: ABCB11 is on the minus strand). VCF-style: chr2-168958069-T-A. GRCh37 (hg19) VCF-style: chr2-169814579-T-A.
Other names: c.2238A>T (NM_003742.2); short protein forms K746N.
Identifiers: ClinVar variation 2498844 (VCV002498844.28), dbSNP rs1559202229, ClinGen allele CA349106888.